The following is an entry in ClinVar:

NM_003719.5(PDE8B):c.*57C>T

Gene: PDE8B (phosphodiesterase 8B; plus strand). Cytogenetic location: 5q13.3.
Variant type: single nucleotide variant.
Coding change: c.*57C>T on transcript NM_003719.5 (MANE Select); 57 bases downstream of the stop codon, C replaced by T.
Molecular consequence: 3 prime UTR variant.
Genome position (GRCh38, 1-based): chr5:77,426,611, C>T. VCF-style: chr5-77426611-C-T. GRCh37 (hg19) VCF-style: chr5-76722436-C-T.
Other names: c.*57C>T (NM_001029851.4, NM_001029852.4, NM_001029853.4 and 19 more transcripts); c.*143C>T (NM_001349751.3, NM_001376072.1).
Identifiers: ClinVar variation 354177 (VCV000354177.6), dbSNP rs566925510, ClinGen allele CA10620777.

ClinVar aggregate classification (germline): Benign. Review status: criteria provided, multiple submitters, no conflicts (2 of 4 stars). 2 submissions from 2 submitters: Benign (2). Last evaluated 2018-01-12.

Conditions:
Autosomal dominant striatal neurodegeneration type 1. Identifiers: Orphanet 228169, MedGen C4310808, MONDO:0012205, OMIM 609161.

Allele frequency attached by ClinVar (database versions not stated): TOPMed 0.00008; gnomAD 0.00011 and 0.00015; 1000 Genomes Project 30x 0.00047; 1000 Genomes Project 0.00060.
gnomAD v4.1: 247 of 884,550 alleles (0.028%); highest among the groups gnomAD compares: South Asian, 0.21%; 1 homozygote.

Submissions (2):

Illumina Laboratory Services, Illumina
Classification: Benign for Autosomal dominant striatal neurodegeneration type 1. Last evaluated: 2018-01-12. Review status: criteria provided, single submitter. Criteria: ICSL Variant Classification Criteria 13 December 2019. Collection method: clinical testing. Allele origin: germline.
Comment: This variant was observed in the ICSL laboratory as part of a predisposition screen in an ostensibly healthy population. It had not been previously curated by ICSL or reported in the Human Gene Mutation Database (HGMD: prior to June 1st, 2018), and was therefore a candidate for classification through an automated scoring system. Utilizing variant allele frequency, disease prevalence and penetrance estimates, and inheritance mode, an automated score was calculated to assess if this variant is too frequent to cause the disease. Based on the score and internal cut-off values, a variant classified as benign is not then subjected to further curation. The score for this variant resulted in a classification of benign for this disease.

Breakthrough Genomics
Classification: Benign. Review status: criteria provided, single submitter. Criteria: ACMG Guidelines, 2015. Collection method: not provided. Allele origin: germline. Inheritance: Autosomal dominant inheritance. Affected: yes.